The following is an entry in ClinVar:

NM_001961.4(EEF2):c.1787C>A (p.Pro596His)

Gene: EEF2 (eukaryotic translation elongation factor 2; minus strand). Cytogenetic location: 19p13.3.
Variant type: single nucleotide variant.
Coding change: c.1787C>A on transcript NM_001961.4 (MANE Select); coding-DNA position 1787, C replaced by A.
Protein change: p.Pro596His; replaces proline 596 with histidine.
Molecular consequence: missense variant.
Genome position (GRCh38, 1-based): chr19:3,978,099, G>T on the plus strand (C>A on the coding strand, the complement: EEF2 is on the minus strand). VCF-style: chr19-3978099-G-T. GRCh37 (hg19) VCF-style: chr19-3978097-G-T.
Other names: short protein forms P596H.
Identifiers: ClinVar variation 66077 (VCV000066077.3), dbSNP rs587777052, ClinGen allele CA264797.

ClinVar aggregate classification (germline): Pathogenic. Review status: criteria provided, single submitter (1 of 4 stars). 2 submissions from 2 submitters: Pathogenic (1). 1 of the submissions does not count toward it. Last evaluated 2019-12-06.

Conditions:
Spinocerebellar ataxia type 26 (SCA26). Identifiers: Orphanet 101112, MedGen C1836395, MONDO:0012246, OMIM 609306.

Submissions (2):

Athena Diagnostics
Classification: Pathogenic. Last evaluated: 2019-12-06. Review status: criteria provided, single submitter. Criteria: Athena Diagnostics Criteria. Collection method: clinical testing. Allele origin: unknown.
Comment: Not found in the total gnomAD dataset, and the data is high quality. Found in at least one patient with expected phenotype for this gene. Predicted to have a damaging effect on the protein. Assessment of experimental evidence suggests this variant results in abnormal protein function. Very strong co-segregation with disease in affected and unaffected individuals from a single family.

OMIM
Classification: Pathogenic for SPINOCEREBELLAR ATAXIA 26 (1 family). Last evaluated: 2012-12-15. Review status: no assertion criteria provided. Collection method: literature only. Allele origin: germline. Not counted in ClinVar's aggregate classification.

Literature cited by the submitters: PubMed 23001565 (cited by Athena Diagnostics and OMIM); PubMed 15732118 (cited by OMIM).